The following is an entry in ClinVar:

NM_005343.4(HRAS):c.307G>C (p.Val103Leu)

Genes: HRAS (HRas proto-oncogene, GTPase; minus strand), LRRC56 (leucine rich repeat containing 56; plus strand). Cytogenetic location: 11p15.5.
Variant type: single nucleotide variant.
Coding change: c.307G>C on transcript NM_005343.4 (MANE Select); coding-DNA position 307, G replaced by C.
Protein change: p.Val103Leu; replaces valine 103 with leucine.
Molecular consequence: missense variant. On other transcripts: 5 prime UTR variant (1).
Genome position (GRCh38, 1-based): chr11:533,596, C>G on the plus strand (G>C on the coding strand, the complement: HRAS is on the minus strand). VCF-style: chr11-533596-C-G. GRCh37 (hg19) VCF-style: chr11-533596-C-G.
Other names: c.307G>C, p.Val103Leu (NM_001130442.3, NM_176795.5); c.-13G>C (NM_001318054.2); short protein forms V103L.
Identifiers: ClinVar variation 1508857 (VCV001508857.6), dbSNP rs1213269684, ClinGen allele CA378923886.

ClinVar aggregate classification (germline): Uncertain significance (1 of 4 stars; one submission).

Conditions:
Costello syndrome (CSTLO). Also called: FACIOCUTANEOSKELETAL SYNDROME; HRAS-Related Costello Syndrome; FCS SYNDROME. Identifiers: Orphanet 3071, MedGen C0587248, MONDO:0009026, OMIM 218040.

Submission:

Labcorp Genetics (formerly Invitae), Labcorp
Classification: Uncertain significance for Costello syndrome. Last evaluated: 2021-11-19. Review status: criteria provided, single submitter. Criteria: Invitae Variant Classification Sherloc (09022015). Collection method: clinical testing. Allele origin: germline.
Comment: This variant has not been reported in the literature in individuals affected with HRAS-related conditions. This variant is not present in population databases (gnomAD no frequency). This sequence change replaces valine, which is neutral and non-polar, with leucine, which is neutral and non-polar, at codon 103 of the HRAS protein (p.Val103Leu). Advanced modeling of protein sequence and biophysical properties (such as structural, functional, and spatial information, amino acid conservation, physicochemical variation, residue mobility, and thermodynamic stability) performed at Invitae indicates that this missense variant is not expected to disrupt HRAS protein function. In summary, the available evidence is currently insufficient to determine the role of this variant in disease. Therefore, it has been classified as a Variant of Uncertain Significance.